The following is an entry in ClinVar:

NM_017777.4(MKS1):c.490C>T (p.Arg164Cys)

Gene: MKS1 (MKS transition zone complex subunit 1; minus strand). Cytogenetic location: 17q22.
Variant type: single nucleotide variant.
Coding change: c.490C>T on transcript NM_017777.4 (MANE Select); coding-DNA position 490, C replaced by T.
Protein change: p.Arg164Cys; replaces arginine 164 with cysteine.
Molecular consequence: missense variant. On other transcripts: intron variant (1).
Genome position (GRCh38, 1-based): chr17:58,214,766, G>A on the plus strand (C>T on the coding strand, the complement: MKS1 is on the minus strand). VCF-style: chr17-58214766-G-A. GRCh37 (hg19) VCF-style: chr17-56292127-G-A.
Other names: c.490C>T, p.Arg164Cys (NM_001321269.2, NM_001330397.2, NM_001411113.1); c.-94-379C>T (NM_001321268.2); short protein forms R164C.
Identifiers: ClinVar variation 2051785 (VCV002051785.3), dbSNP rs370568445, ClinGen allele CA8669507.

ClinVar aggregate classification (germline): Uncertain significance. Review status: criteria provided, multiple submitters, no conflicts (2 of 4 stars). 3 submissions from 3 submitters: Uncertain significance (3). Last evaluated 2025-10-20.

Conditions:
Bardet-Biedl syndrome 13 (BBS13). Identifiers: Orphanet 110, MedGen C2673873, MONDO:0014441, OMIM 615990.
Meckel syndrome, type 1 (MKS1). Also called: MECKEL-GRUBER SYNDROME, TYPE 1. Identifiers: Orphanet 564, MedGen C3714506, MONDO:0009571, OMIM 249000.
Joubert syndrome 28 (JBTS28). Identifiers: MedGen C4310705, MONDO:0014928, OMIM 617121.
MKS1-related disorder. Also called: MKS1-related disorders; MKS1-related condition. Identifiers: MedGen CN239382.
Joubert syndrome. Also called: Familial aplasia of the vermis; JOUBERT-BOLTSHAUSER SYNDROME. Identifiers: Orphanet 475, MedGen C5979921, MONDO:0018772.
Meckel-Gruber syndrome. Also called: Dysencephalia splachnocystica; DYSENCEPHALIA SPLANCHNOCYSTICA; GRUBER SYNDROME. Identifiers: Orphanet 564, MedGen C0265215, MONDO:0018921.

Allele frequency attached by ClinVar (database versions not stated): ExAC 0.00001; gnomAD exomes 0.00001; gnomAD 0.00002; TOPMed 0.00003.
gnomAD v4.1: 23 of 1,606,844 alleles (0.0014%); highest among the groups gnomAD compares: Non-Finnish European, 0.0016%; no homozygotes.

Submissions (3):

PreventionGenetics, part of Exact Sciences
Classification: Uncertain significance for MKS1-related condition. Last evaluated: 2025-10-20. Review status: criteria provided, single submitter. Criteria: ACMG Guidelines, 2015. Collection method: clinical testing. Allele origin: germline.
Comment: The MKS1 c.490C>T variant is predicted to result in the amino acid substitution p.Arg164Cys. To our knowledge, this variant has not been reported in the literature. This variant is reported in 0.0018% of alleles in individuals of European (non-Finnish) descent in gnomAD. At this time, the clinical significance of this variant is uncertain due to the absence of conclusive functional and genetic evidence.

Fulgent Genetics
Classification: Uncertain significance for Meckel syndrome, type 1; Bardet-Biedl syndrome 13; Joubert syndrome 28. Last evaluated: 2024-01-31. Review status: criteria provided, single submitter. Criteria: ACMG Guidelines, 2015. Collection method: clinical testing. Allele origin: germline.

Labcorp Genetics (formerly Invitae), Labcorp
Classification: Uncertain significance for Joubert syndrome; Meckel-Gruber syndrome. Last evaluated: 2022-08-15. Review status: criteria provided, single submitter. Criteria: Invitae Variant Classification Sherloc (09022015). Collection method: clinical testing. Allele origin: germline.
Comment: This sequence change replaces arginine, which is basic and polar, with cysteine, which is neutral and slightly polar, at codon 164 of the MKS1 protein (p.Arg164Cys). The frequency data for this variant in the population databases is considered unreliable, as metrics indicate poor data quality at this position in the gnomAD database. This variant has not been reported in the literature in individuals affected with MKS1-related conditions. Algorithms developed to predict the effect of missense changes on protein structure and function are either unavailable or do not agree on the potential impact of this missense change (SIFT: "Deleterious"; PolyPhen-2: "Benign"; Align-GVGD: "Class C35"). Algorithms developed to predict the effect of sequence changes on RNA splicing suggest that this variant may disrupt the consensus splice site. In summary, the available evidence is currently insufficient to determine the role of this variant in disease. Therefore, it has been classified as a Variant of Uncertain Significance.